The following is an entry in ClinVar:

ClinVar aggregate classification (germline): Conflicting classifications of pathogenicity. Review status: criteria provided, conflicting classifications (1 of 4 stars). 6 submissions from 6 submitters: Uncertain significance (5); Likely benign (1). Last evaluated 2026-02-03.

Conditions:
Naxos disease (NXD). Also called: CARDIOMYOPATHY, ARRHYTHMOGENIC RIGHT VENTRICULAR, WITH SKIN, HAIR, AND NAIL ABNORMALITIES; KERATOSIS PALMOPLANTARIS WITH ARRHYTHMOGENIC CARDIOMYOPATHY; MAL DE NAXOS; PALMOPLANTAR KERATODERMA WITH ARRHYTHMOGENIC RIGHT VENTRICULAR CARDIOMYOPATHY AND WOOLLY HAIR; WOOLLY HAIR, PALMOPLANTAR KERATODERMA, AND CARDIAC ABNORMALITIES. Identifiers: Orphanet 34217, MedGen C1832600, MONDO:0011017, OMIM 601214.
Arrhythmogenic right ventricular dysplasia 12. Also called: ARRHYTHMOGENIC RIGHT VENTRICULAR DYSPLASIA, FAMILIAL, 12. Identifiers: MedGen C1969081, MONDO:0012684, OMIM 611528.
Cardiovascular phenotype. Identifiers: MedGen CN230736.

Allele frequency attached by ClinVar (database versions not stated): gnomAD exomes 0.00002 and 0.00007; ExAC 0.00003; TOPMed 0.00004; gnomAD 0.00006; ESP Exome Variant Server 0.00015.
gnomAD v4.1: 104 of 1,607,108 alleles (0.0065%); highest among the groups gnomAD compares: Non-Finnish European, 0.0086%; no homozygotes.

Submissions (6):

Labcorp Genetics (formerly Invitae), Labcorp
Classification: Uncertain significance for Arrhythmogenic right ventricular dysplasia 12; Naxos disease. Last evaluated: 2026-02-03. Review status: criteria provided, single submitter. Criteria: Invitae Variant Classification Sherloc (09022015). Collection method: clinical testing. Allele origin: germline.
Comment: This sequence change replaces arginine, which is basic and polar, with glutamine, which is neutral and polar, at codon 177 of the JUP protein (p.Arg177Gln). This variant is present in population databases (rs371481933, gnomAD 0.006%). This missense change has been observed in individual(s) with arrhythmogenic right ventricular cardiomyopathy (PMID: 27532257). ClinVar contains an entry for this variant (Variation ID: 178044). An algorithm developed to predict the effect of missense changes on protein structure and function (PolyPhen-2) suggests that this variant is likely to be tolerated. In summary, the available evidence is currently insufficient to determine the role of this variant in disease. Therefore, it has been classified as a Variant of Uncertain Significance.

Women's Health and Genetics/Laboratory Corporation of America, LabCorp
Classification: Uncertain significance. Last evaluated: 2025-09-08. Review status: criteria provided, single submitter. Criteria: LabCorp Variant Classification Summary - May 2015. Collection method: clinical testing. Allele origin: germline.
Comment: Variant summary: JUP c.530G>A (p.Arg177Gln) results in a conservative amino acid change in the encoded protein sequence. Algorithms developed to predict the effect of missense changes on protein structure and function are either unavailable or do not agree on the potential impact of this missense change. The variant allele was found at a frequency of 2.1e-05 in 242532 control chromosomes. The available data on variant occurrences in the general population are insufficient to allow any conclusion about variant significance. c.530G>A has been observed in at least one individual affected with Arrhythmogenic Right Ventricular Dysplasia/Cardiomyopathy (e.g. Walsh_2017). These report(s) do not provide unequivocal conclusions about association of the variant with Arrhythmogenic Right Ventricular Dysplasia/Cardiomyopathy. To our knowledge, no experimental evidence demonstrating an impact on protein function has been reported. The following publication has been ascertained in the context of this evaluation (PMID: 27532257). ClinVar contains an entry for this variant (Variation ID: 178044). Based on the evidence outlined above, the variant was classified as uncertain significance.

Fulgent Genetics
Classification: Uncertain significance for Naxos disease; Arrhythmogenic right ventricular dysplasia 12. Last evaluated: 2024-05-14. Review status: criteria provided, single submitter. Criteria: ACMG Guidelines, 2015. Collection method: clinical testing. Allele origin: germline.

GeneDx
Classification: Uncertain significance. Last evaluated: 2022-04-25. Review status: criteria provided, single submitter. Criteria: GeneDx Variant Classification Process June 2021. Collection method: clinical testing. Allele origin: germline. Affected: yes.
Comment: In silico analysis supports that this missense variant does not alter protein structure/function; This variant is associated with the following publications: (PMID: 27532257, 31402444)

Ambry Genetics
Classification: Likely benign for Cardiovascular phenotype. Last evaluated: 2021-11-18. Review status: criteria provided, single submitter. Criteria: Ambry Variant Classification Scheme 2023. Collection method: clinical testing. Allele origin: germline.

Laboratory for Molecular Medicine, Mass General Brigham Personalized Medicine
Classification: Uncertain significance. Last evaluated: 2013-08-09. Review status: criteria provided, single submitter. Criteria: LMM Criteria. Collection method: clinical testing. Allele origin: germline. Observed: 1 variant allele.
Comment: The Arg177Gln variant in JUP has not been reported in individuals with cardiomyo pathy, but has been identified in 2/8600 of European American chromosomes by the NHLBI Exome Sequencing Project. Computation al analyses (biochemical amino acid properties, conservation, AlignGVGD, PolyPhe n2, and SIFT) suggest that the Arg177Gln variant may not impact the protein, tho ugh this information is not predictive enough to rule out pathogenicity. Additio nal information is needed to fully assess the clinical significance of the Arg17 7Gln variant.

Literature cited by the submitters: PubMed 27532257 (cited by 3 submitters).

NM_002230.4(JUP):c.530G>A (p.Arg177Gln)

Gene: JUP (junction plakoglobin; minus strand). Cytogenetic location: 17q21.2.
Variant type: single nucleotide variant.
Coding change: c.530G>A on transcript NM_002230.4 (MANE Select); coding-DNA position 530, G replaced by A.
Protein change: p.Arg177Gln; replaces arginine 177 with glutamine.
Molecular consequence: missense variant.
Genome position (GRCh38, 1-based): chr17:41,769,146, C>T on the plus strand (G>A on the coding strand, the complement: JUP is on the minus strand). VCF-style: chr17-41769146-C-T. GRCh37 (hg19) VCF-style: chr17-39925398-C-T.
Other names: c.530G>A, p.Arg177Gln (NM_001352773.2, NM_001352774.2, NM_001352775.2 and 3 more transcripts); short protein forms R177Q.
Identifiers: ClinVar variation 178044 (VCV000178044.21), dbSNP rs371481933, ClinGen allele CA181274.